The following is an entry in ClinVar:

ClinVar aggregate classification (germline): Uncertain significance (1 of 4 stars; one submission).

Conditions:
Dilated cardiomyopathy 1G (CMD1G). Identifiers: Orphanet 154, MedGen C1858763, MONDO:0011400, OMIM 604145.
Autosomal recessive limb-girdle muscular dystrophy type 2J (LGMDR10). Also called: Limb-girdle muscular dystrophy, type 2J; MUSCULAR DYSTROPHY, LIMB-GIRDLE, AUTOSOMAL RECESSIVE 10. Identifiers: Orphanet 140922, MedGen C1837342, MONDO:0012127, OMIM 608807.

Allele frequency attached by ClinVar (database versions not stated): gnomAD exomes below 0.00001 and 0.00001; gnomAD 0.00001; TOPMed 0.00001.
gnomAD v4.1: 3 of 1,613,644 alleles (0.00019%); highest among the groups gnomAD compares: Admixed American, 0.0033%; no homozygotes.

Submission:

Labcorp Genetics (formerly Invitae), Labcorp
Classification: Uncertain significance for Dilated cardiomyopathy 1G; Autosomal recessive limb-girdle muscular dystrophy type 2J. Last evaluated: 2016-07-09. Review status: criteria provided, single submitter. Criteria: Invitae Variant Classification Sherloc (09022015). Collection method: clinical testing. Allele origin: germline.
Comment: This sequence change replaces leucine with phenylalanine at codon 32239 of the TTN protein (p.Leu32239Phe). The leucine residue is moderately conserved and there is a small physicochemical difference between leucine and phenylalanine. This variant is not present in population databases (ExAC no frequency) and has not been reported in the literature in individuals with a TTN-related disease. Algorithms developed to predict the effect of missense changes on protein structure and function are unavailable for the TTN gene. In summary, this variant is a novel missense change with uncertain impact on protein function. It has been classified as a Variant of Uncertain Significance.

NM_001267550.2(TTN):c.96715C>T (p.Leu32239Phe)

Genes: TTN-AS1 (TTN antisense RNA 1; plus strand), TTN (titin; minus strand), LOC126806421 (CDK7 strongly-dependent group 2 enhancer GRCh37_chr2:179407630-179408829; plus strand). Cytogenetic location: 2q31.2.
Variant type: single nucleotide variant.
Coding change: c.96715C>T on transcript NM_001267550.2 (MANE Select); coding-DNA position 96715, C replaced by T.
Protein change: p.Leu32239Phe; replaces leucine 32239 with phenylalanine.
Molecular consequence: missense variant.
Genome position (GRCh38, 1-based): chr2:178,543,258, G>A on the plus strand (C>T on the coding strand, the complement: TTN is on the minus strand). VCF-style: chr2-178543258-G-A. GRCh37 (hg19) VCF-style: chr2-179407985-G-A.
Other names: c.91792C>T, p.Leu30598Phe (NM_001256850.1); c.69520C>T, p.Leu23174Phe (NM_003319.4); c.89011C>T, p.Leu29671Phe (NM_133378.4); c.69895C>T, p.Leu23299Phe (NM_133432.3); c.70096C>T, p.Leu23366Phe (NM_133437.4); short protein forms L32239F, L23299F, L23366F, L29671F, L23174F, L30598F.
Identifiers: ClinVar variation 405133 (VCV000405133.1), dbSNP rs889392294, ClinGen allele CA16610210.